The following is an entry in ClinVar:

NM_020632.3(ATP6V0A4):c.2011-8G>A

Gene: ATP6V0A4 (ATPase H+ transporting V0 subunit a4; minus strand). Cytogenetic location: 7q34.
Variant type: single nucleotide variant.
Coding change: c.2011-8G>A on transcript NM_020632.3 (MANE Select); 8 bases into the intron before coding-DNA position 2011, G replaced by A.
Molecular consequence: intron variant.
Genome position (GRCh38, 1-based): chr7:138,722,033, C>T on the plus strand (G>A on the coding strand, the complement: ATP6V0A4 is on the minus strand). VCF-style: chr7-138722033-C-T. GRCh37 (hg19) VCF-style: chr7-138406778-C-T.
Other names: c.2011-8G>A (NM_130840.3, NM_130841.3).
Identifiers: ClinVar variation 799533 (VCV000799533.11), dbSNP rs183571925, ClinGen allele CA4504556.

ClinVar aggregate classification (germline): Benign/Likely benign. Review status: criteria provided, multiple submitters, no conflicts (2 of 4 stars). 3 submissions from 3 submitters: Benign (1); Likely benign (1). 1 of the submissions does not count toward it. Last evaluated 2026-01-20.

Conditions:
ATP6V0A4-related disorder. Also called: ATP6V0A4-related condition.
Renal tubular acidosis, distal, 3, with or without sensorineural hearing loss (DRTA3). Identifiers: MedGen C5399980, MONDO:0011268, OMIM 602722.

Allele frequency attached by ClinVar (database versions not stated): gnomAD exomes 0.00033; ExAC 0.00039; gnomAD 0.00061; ESP Exome Variant Server 0.00062; TOPMed 0.00080; 1000 Genomes Project 30x 0.00109; 1000 Genomes Project 0.00140.
gnomAD v4.1: 353 of 1,614,084 alleles (0.022%); highest among the groups gnomAD compares: African/African-American, 0.28%; no homozygotes.

Submissions (3):

Labcorp Genetics (formerly Invitae), Labcorp
Classification: Benign. Last evaluated: 2026-01-20. Review status: criteria provided, single submitter. Criteria: Invitae Variant Classification Sherloc (09022015). Collection method: clinical testing. Allele origin: germline.

Fulgent Genetics
Classification: Likely benign for Renal tubular acidosis, distal, 3, with or without sensorineural hearing loss. Last evaluated: 2021-07-16. Review status: criteria provided, single submitter. Criteria: ACMG Guidelines, 2015. Collection method: clinical testing. Allele origin: unknown.

PreventionGenetics, part of Exact Sciences
Classification: Likely benign for ATP6V0A4-related condition. Last evaluated: 2019-06-26. Review status: no assertion criteria provided. Collection method: clinical testing. Allele origin: germline. Not counted in ClinVar's aggregate classification.
Comment: This variant is classified as likely benign based on ACMG/AMP sequence variant interpretation guidelines (Richards et al. 2015 PMID: 25741868, with internal and published modifications).